The following is an entry in ClinVar:

ClinVar aggregate classification (germline): Uncertain significance (1 of 4 stars; one submission).

Submission:

Women's Health and Genetics/Laboratory Corporation of America, LabCorp
Classification: Uncertain significance. Last evaluated: 2022-06-29. Review status: criteria provided, single submitter. Criteria: LabCorp Variant Classification Summary - May 2015. Collection method: clinical testing. Allele origin: germline.
Comment: Variant summary: HBB c.*117C>T is located in the untranslated mRNA region downstream of the termination codon. The variant was absent in 152172 control chromosomes. The available data on variant occurrences in the general population are insufficient to allow any conclusion about variant significance. To our knowledge, no occurrence of c.*117C>T in individuals affected with Hemoglobinopathy and no experimental evidence demonstrating its impact on protein function have been reported. No clinical diagnostic laboratories have submitted clinical-significance assessments for this variant to ClinVar after 2014. Based on the evidence outlined above, the variant was classified as uncertain significance.

NM_000518.5(HBB):c.*117C>T

Genes: HBB (hemoglobin subunit beta; minus strand), LOC107133510 (origin of replication at HBB; plus strand), LOC110006319 (beta-globin gene 3' regulatory region; plus strand). Cytogenetic location: 11p15.4.
Variant type: single nucleotide variant.
Coding change: c.*117C>T on transcript NM_000518.5 (MANE Select); 117 bases downstream of the stop codon, C replaced by T.
Molecular consequence: 3 prime UTR variant.
Genome position (GRCh38, 1-based): chr11:5,225,481, G>A on the plus strand (C>T on the coding strand, the complement: HBB is on the minus strand). VCF-style: chr11-5225481-G-A. GRCh37 (hg19) VCF-style: chr11-5246711-G-A.
Identifiers: ClinVar variation 1698654 (VCV001698654.1), dbSNP rs2133585664, ClinGen allele CA2580083901.